The following is an entry in ClinVar:

ClinVar aggregate classification (germline): Uncertain significance (1 of 4 stars; one submission).

Conditions:
Hypertrophic cardiomyopathy. Also called: HYPERTROPHIC MYOCARDIOPATHY. Identifiers: Orphanet 217569, MedGen C0007194, MeSH D002312, MONDO:0005045, HP:0001639.

gnomAD v4.1: 22 of 1,613,898 alleles (0.0014%); highest among the groups gnomAD compares: East Asian, 0.0022%; no homozygotes.

Submission:

Labcorp Genetics (formerly Invitae), Labcorp
Classification: Uncertain significance for Hypertrophic cardiomyopathy. Last evaluated: 2024-04-10. Review status: criteria provided, single submitter. Criteria: Invitae Variant Classification Sherloc (09022015). Collection method: clinical testing. Allele origin: germline.
Comment: This sequence change replaces tyrosine, which is neutral and polar, with cysteine, which is neutral and slightly polar, at codon 580 of the MYOM1 protein (p.Tyr580Cys). This variant is present in population databases (no rsID available, gnomAD 0.003%). This variant has not been reported in the literature in individuals affected with MYOM1-related conditions. Advanced modeling of protein sequence and biophysical properties (such as structural, functional, and spatial information, amino acid conservation, physicochemical variation, residue mobility, and thermodynamic stability) performed at Invitae indicates that this missense variant is expected to disrupt MYOM1 protein function with a positive predictive value of 80%. In summary, the available evidence is currently insufficient to determine the role of this variant in disease. Therefore, it has been classified as a Variant of Uncertain Significance.

NM_003803.4(MYOM1):c.1739A>G (p.Tyr580Cys)

Gene: MYOM1 (myomesin 1; minus strand). Cytogenetic location: 18p11.31.
Variant type: single nucleotide variant.
Coding change: c.1739A>G on transcript NM_003803.4 (MANE Select); coding-DNA position 1739, A replaced by G.
Protein change: p.Tyr580Cys; replaces tyrosine 580 with cysteine.
Molecular consequence: missense variant.
Genome position (GRCh38, 1-based): chr18:3,151,798, T>C on the plus strand (A>G on the coding strand, the complement: MYOM1 is on the minus strand). VCF-style: chr18-3151798-T-C. GRCh37 (hg19) VCF-style: chr18-3151796-T-C.
Other names: c.1739A>G, p.Tyr580Cys (NM_019856.2); short protein forms Y580C.
Identifiers: ClinVar variation 3720307 (VCV003720307.2).
Genomic context (GRCh38, chr18:3,151,798, plus strand): 5'-TCGGAAACTCGAGATGGGAAACCTATTCCCATTTTATTCACAGCTCGAACTCGGAAGATA[T>C]AGGAACGACCTTCGATCAATCCAGTGACAGGAAAACGAGCAAACTTCACAGGTGTGTCAT-3'
Protein context (NP_003794.3, residues 570-590): PVTGLIEGRS[Tyr580Cys]IFRVRAVNKM